The following is an entry in ClinVar:

ClinVar aggregate classification (germline): Pathogenic/Likely pathogenic. Review status: criteria provided, multiple submitters, no conflicts (2 of 4 stars). 5 submissions from 4 submitters: Pathogenic (1); Likely pathogenic (1). 3 of the submissions do not count toward it. Last evaluated 2024-07-31.

Conditions:
Cleidocranial dysplasia 1, forme fruste, dental anomalies only. Identifiers: MedGen C5774315.
RUNX2-related disorder. Also called: RUNX2-related condition.
Cleidocranial dysostosis (CLCD1). Also called: Marie-Sainton disease; Cleidocranial Dysplasia Spectrum Disorder; cleidocranial dysplasia 1. Identifiers: Orphanet 1452, MedGen C0008928, MONDO:0007340, OMIM 119600.

Submissions (5):

Labcorp Genetics (formerly Invitae), Labcorp
Classification: Pathogenic. Last evaluated: 2024-07-31. Review status: criteria provided, single submitter. Criteria: Invitae Variant Classification Sherloc (09022015). Collection method: clinical testing. Allele origin: germline.
Comment: This sequence change replaces threonine, which is neutral and polar, with alanine, which is neutral and non-polar, at codon 200 of the RUNX2 protein (p.Thr200Ala). This variant is not present in population databases (gnomAD no frequency). This missense change has been observed in individuals with cleidocranial dysplasia (PMID: 10545612; Invitae). It has also been observed to segregate with disease in related individuals. This variant is also known as CBFA1 T200A. ClinVar contains an entry for this variant (Variation ID: 9304). Advanced modeling of protein sequence and biophysical properties (such as structural, functional, and spatial information, amino acid conservation, physicochemical variation, residue mobility, and thermodynamic stability) performed at Invitae indicates that this missense variant is expected to disrupt RUNX2 protein function with a positive predictive value of 80%. Experimental studies have shown that this missense change does not substantially affect RUNX2 function (PMID: 10545612, 23558979). This variant disrupts the p.Thr200 amino acid residue in RUNX2. Other variant(s) that disrupt this residue have been determined to be pathogenic (PMID: 19767586). This suggests that this residue is clinically significant, and that variants that disrupt this residue are likely to be disease-causing. For these reasons, this variant has been classified as Pathogenic.

Blueprint Genetics
Classification: Likely pathogenic for RUNX2-related disorders. Last evaluated: 2019-04-29. Review status: criteria provided, single submitter. Criteria: ACMG Guidelines, 2015. Collection method: clinical testing. Allele origin: germline. Affected: yes. Observed: 1 variant allele.

OMIM
Classification: Pathogenic for CLEIDOCRANIAL DYSPLASIA 1. Last evaluated: 1999-11-01. Review status: no assertion criteria provided. Collection method: literature only. Allele origin: germline. Not counted in ClinVar's aggregate classification.

OMIM
Classification: Pathogenic for CLEIDOCRANIAL DYSPLASIA 1, FORME FRUSTE, DENTAL ANOMALIES ONLY. Last evaluated: 1999-11-01. Review status: no assertion criteria provided. Collection method: literature only. Allele origin: germline. Not counted in ClinVar's aggregate classification.

GeneReviews
No classification provided. Condition: Cleidocranial dysostosis. Review status: no classification provided. Collection method: literature only. Allele origin: germline. Not counted in ClinVar's aggregate classification.

Literature cited by the submitters: PubMed 10545612 (cited by Labcorp Genetics (formerly Invitae), Labcorp and OMIM); PubMed 23558979 (cited by Labcorp Genetics (formerly Invitae), Labcorp); PubMed 19767586 (cited by Labcorp Genetics (formerly Invitae), Labcorp); NCBI Bookshelf NBK1513 (cited by GeneReviews).

NM_001024630.4(RUNX2):c.598A>G (p.Thr200Ala)

Gene: RUNX2 (RUNX family transcription factor 2; plus strand). Cytogenetic location: 6p21.1.
Variant type: single nucleotide variant.
Coding change: c.598A>G on transcript NM_001024630.4 (MANE Select); coding-DNA position 598, A replaced by G.
Protein change: p.Thr200Ala; replaces threonine 200 with alanine.
Molecular consequence: missense variant.
Genome position (GRCh38, 1-based): chr6:45,437,964, A>G. VCF-style: chr6-45437964-A-G. GRCh37 (hg19) VCF-style: chr6-45405701-A-G.
Other names: c.598A>G, p.Thr200Ala (NM_001015051.4); c.556A>G, p.Thr186Ala (NM_001278478.2, NM_001369405.1); short protein forms T200A, T186A.
Identifiers: ClinVar variation 9304 (VCV000009304.8), dbSNP rs104893993, ClinGen allele CA120288.